The following is an entry in ClinVar:

NM_001733.7(C1R):c.1380G>A (p.Gln460=)

Gene: C1R (complement C1r; minus strand). Cytogenetic location: 12p13.31.
Variant type: single nucleotide variant.
Coding change: c.1380G>A on transcript NM_001733.7 (MANE Select); coding-DNA position 1380, G replaced by A.
Protein change: p.Gln460=; no amino-acid change (glutamine 460 retained).
Molecular consequence: synonymous variant.
Genome position (GRCh38, 1-based): chr12:7,081,270, C>T on the plus strand (G>A on the coding strand, the complement: C1R is on the minus strand). VCF-style: chr12-7081270-C-T. GRCh37 (hg19) VCF-style: chr12-7188574-C-T.
Other names: c.1422G>A, p.Gln474= (NM_001354346.2).
Identifiers: ClinVar variation 5001484 (VCV005001484.1).
Genomic context (GRCh38, chr12:7,081,270, plus strand): 5'-GAACACCTGCCAGGGGAAGTTGCCCATCTTGGCTTTTTGCCCTCCGATGATGCGCTGCCT[C>T]TGTTCCACGGGGTTCACGGGCTTCCCACACACTGAGGGAGAGACAGGGAAGACAAGGGCA-3'
Protein context (NP_001724.4, residues 450-470): VCGKPVNPVE[Gln460=]RQRIIGGQKA

ClinVar aggregate classification (germline): Likely benign (1 of 4 stars; one submission).

Conditions:
C1R-related disorder. Also called: C1R-related condition.

Submission:

PreventionGenetics, part of Exact Sciences
Classification: Likely benign for C1R-related condition. Last evaluated: 2024-10-31. Review status: criteria provided, single submitter. Criteria: ACMG Guidelines, 2015. Collection method: clinical testing. Allele origin: germline.
Comment: This variant is classified as likely benign based on ACMG/AMP sequence variant interpretation guidelines (Richards et al. 2015 PMID: 25741868, with internal and published modifications).